The following is an entry in ClinVar:

ClinVar aggregate classification (germline): Uncertain significance (1 of 4 stars; one submission).

Allele frequency attached by ClinVar (database versions not stated): gnomAD exomes 0.00002 and 0.00005; ExAC 0.00003; gnomAD 0.00003 and 0.00004; TOPMed 0.00003.
gnomAD v4.1: 80 of 1,606,774 alleles (0.005%); highest among the groups gnomAD compares: Non-Finnish European, 0.0064%; no homozygotes.

Submission:

Labcorp Genetics (formerly Invitae), Labcorp
Classification: Uncertain significance. Last evaluated: 2021-07-28. Review status: criteria provided, single submitter. Criteria: Invitae Variant Classification Sherloc (09022015). Collection method: clinical testing. Allele origin: germline.
Comment: In summary, the available evidence is currently insufficient to determine the role of this variant in disease. Therefore, it has been classified as a Variant of Uncertain Significance. Algorithms developed to predict the effect of missense changes on protein structure and function are either unavailable or do not agree on the potential impact of this missense change (SIFT: "Deleterious"; PolyPhen-2: "Possibly Damaging"; Align-GVGD: "Class C0"). This variant has not been reported in the literature in individuals affected with SUCO-related conditions. This variant is present in population databases (rs753495828, ExAC 0.006%). This sequence change replaces leucine with phenylalanine at codon 981 of the SUCO protein (p.Leu981Phe). The leucine residue is highly conserved and there is a small physicochemical difference between leucine and phenylalanine.

NM_014283.5(SUCO):c.2943G>C (p.Leu981Phe)

Gene: SUCO (SUN domain containing ossification factor; plus strand). Cytogenetic location: 1q24.3.
Variant type: single nucleotide variant.
Coding change: c.2943G>C on transcript NM_014283.5 (MANE Select); coding-DNA position 2943, G replaced by C.
Protein change: p.Leu981Phe; replaces leucine 981 with phenylalanine.
Molecular consequence: missense variant.
Genome position (GRCh38, 1-based): chr1:172,600,093, G>C. VCF-style: chr1-172600093-G-C. GRCh37 (hg19) VCF-style: chr1-172569233-G-C.
Other names: c.1830G>C, p.Leu610Phe (NM_001282750.2); c.1254G>C, p.Leu418Phe (NM_001282751.2); c.3396G>C, p.Leu1132Phe (NM_016227.4); short protein forms L981F, L1132F, L610F, L418F.
Identifiers: ClinVar variation 1364110 (VCV001364110.6), dbSNP rs753495828, ClinGen allele CA1247185.